The following is an entry in ClinVar:

NM_080424.4(SP110):c.1556G>A (p.Arg519His)

Gene: SP110 (SP110 nuclear body protein; minus strand). Cytogenetic location: 2q37.1.
Variant type: single nucleotide variant.
Coding change: c.1556G>A on transcript NM_080424.4 (MANE Select); coding-DNA position 1556, G replaced by A.
Protein change: p.Arg519His; replaces arginine 519 with histidine.
Molecular consequence: missense variant.
Genome position (GRCh38, 1-based): chr2:230,177,572, C>T on the plus strand (G>A on the coding strand, the complement: SP110 is on the minus strand). VCF-style: chr2-230177572-C-T. GRCh37 (hg19) VCF-style: chr2-231042288-C-T.
Other names: c.1574G>A, p.Arg525His (NM_001185015.2, NM_001378442.1, NM_001378444.1 and 2 more transcripts); c.1556G>A, p.Arg519His (NM_001378443.1, NM_004509.5, NM_004510.4); c.1406G>A, p.Arg469His (NM_001378447.1); c.1556G>A (NM_004509.3); short protein forms R469H, R519H, R525H.
Identifiers: ClinVar variation 2428047 (VCV002428047.6), dbSNP rs140285393, ClinGen allele CA2154465.
Genomic context (GRCh38, chr2:230,177,572, plus strand): 5'-ACCTATCTGTCCCGTCATTATAATACCTTCAGCAGCTCTCCTAGGGTCATTCCTTCACAA[C>T]GTATATTCCGTTTCCAGTTCTTTGCGTTCCTTCCTTTTCCTTCGACTTCAAATTCATTTG-3'
Protein context (NP_536349.3, residues 509-529): RNAKNWKRNI[Arg519His]CEGMTLGELL

ClinVar aggregate classification (germline): Uncertain significance. Review status: criteria provided, multiple submitters, no conflicts (2 of 4 stars). 2 submissions from 2 submitters: Uncertain significance (2). Last evaluated 2025-01-29.

Conditions:
Inborn genetic diseases. Identifiers: MedGen C0950123, MeSH D030342.
Hepatic veno-occlusive disease-immunodeficiency syndrome. Also called: Hepatic Veno-Occlusive Disease with Immunodeficiency. Identifiers: Orphanet 79124, MedGen C1856128, MONDO:0009338, OMIM 235550. Disease mechanism: loss of function.

Allele frequency attached by ClinVar (database versions not stated): gnomAD exomes 0.00002; ExAC 0.00006; 1000 Genomes Project 30x 0.00016; TOPMed 0.00019; 1000 Genomes Project 0.00020; gnomAD 0.00020; ESP Exome Variant Server 0.00038.
gnomAD v4.1: 60 of 1,614,116 alleles (0.0037%); highest among the groups gnomAD compares: African/African-American, 0.056%; no homozygotes.

Submissions (2):

Labcorp Genetics (formerly Invitae), Labcorp
Classification: Uncertain significance for Hepatic veno-occlusive disease-immunodeficiency syndrome. Last evaluated: 2025-01-29. Review status: criteria provided, single submitter. Criteria: Invitae Variant Classification Sherloc (09022015). Collection method: clinical testing. Allele origin: germline.
Comment: This sequence change replaces arginine, which is basic and polar, with histidine, which is basic and polar, at codon 519 of the SP110 protein (p.Arg519His). This variant is present in population databases (rs140285393, gnomAD 0.07%). This variant has not been reported in the literature in individuals affected with SP110-related conditions. ClinVar contains an entry for this variant (Variation ID: 2428047). An algorithm developed to predict the effect of missense changes on protein structure and function outputs the following: PolyPhen-2: "Benign". The histidine amino acid residue is found in multiple mammalian species, which suggests that this missense change does not adversely affect protein function. In summary, the available evidence is currently insufficient to determine the role of this variant in disease. Therefore, it has been classified as a Variant of Uncertain Significance.

Ambry Genetics
Classification: Uncertain significance for Inborn genetic diseases. Last evaluated: 2024-10-20. Review status: criteria provided, single submitter. Criteria: Ambry Variant Classification Scheme 2023. Collection method: clinical testing. Allele origin: germline.